The following is an entry in ClinVar:

NM_001903.5(CTNNA1):c.610C>G (p.Arg204Gly)

Gene: CTNNA1 (catenin alpha 1; plus strand). Cytogenetic location: 5q31.2.
Variant type: single nucleotide variant.
Coding change: c.610C>G on transcript NM_001903.5 (MANE Select); coding-DNA position 610, C replaced by G.
Protein change: p.Arg204Gly; replaces arginine 204 with glycine.
Molecular consequence: missense variant.
Genome position (GRCh38, 1-based): chr5:138,824,551, C>G. VCF-style: chr5-138824551-C-G. GRCh37 (hg19) VCF-style: chr5-138160240-C-G.
Other names: c.610C>G (NM_001903.2); c.610C>G, p.Arg204Gly (NM_001290307.3, NM_001323982.2, NM_001323983.1 and 3 more transcripts); c.301C>G, p.Arg101Gly (NM_001290309.3); c.241C>G, p.Arg81Gly (NM_001290310.3); short protein forms R81G, R204G, R101G.
Identifiers: ClinVar variation 3705573 (VCV003705573.3).
Genomic context (GRCh38, chr5:138,824,551, plus strand): 5'-AAAGAGTGCTCCAATTTCTTGTTTTATTTACTCTTGTAGGAATTGAAAGATGTTGGCCAT[C>G]GTGATCAGATGGCTGCAGCTAGAGGAATCCTGCAGAAGAACGTTCCGATCCTCTATACTG-3'
Protein context (NP_001894.2, residues 194-214): RQQELKDVGH[Arg204Gly]DQMAAARGIL

ClinVar aggregate classification (germline): Uncertain significance. Review status: criteria provided, multiple submitters, no conflicts (2 of 4 stars). 2 submissions from 2 submitters: Uncertain significance (2). Last evaluated 2025-09-23.

Conditions:
Hereditary cancer-predisposing syndrome. Also called: Hereditary neoplastic syndrome; Tumor predisposition; Hereditary Cancer Syndrome; Neoplastic Syndromes, Hereditary. Identifiers: Orphanet 140162, MedGen C0027672, MeSH D009386, MONDO:0015356.

Submissions (2):

Ambry Genetics
Classification: Uncertain significance for Hereditary cancer-predisposing syndrome. Last evaluated: 2025-09-23. Review status: criteria provided, single submitter. Criteria: Ambry Variant Classification Scheme 2023. Collection method: clinical testing. Allele origin: germline.
Comment: The p.R204G variant (also known as c.610C>G), located in coding exon 5 of the CTNNA1 gene, results from a C to G substitution at nucleotide position 610. The arginine at codon 204 is replaced by glycine, an amino acid with dissimilar properties. This amino acid position is conserved. In addition, the in silico prediction for this alteration is inconclusive. Based on the available evidence, the clinical significance of this variant remains unclear.

Labcorp Genetics (formerly Invitae), Labcorp
Classification: Uncertain significance. Last evaluated: 2024-10-28. Review status: criteria provided, single submitter. Criteria: Invitae Variant Classification Sherloc (09022015). Collection method: clinical testing. Allele origin: germline.
Comment: This sequence change replaces arginine, which is basic and polar, with glycine, which is neutral and non-polar, at codon 204 of the CTNNA1 protein (p.Arg204Gly). This variant is not present in population databases (gnomAD no frequency). This variant has not been reported in the literature in individuals affected with CTNNA1-related conditions. Invitae Evidence Modeling of protein sequence and biophysical properties (such as structural, functional, and spatial information, amino acid conservation, physicochemical variation, residue mobility, and thermodynamic stability) indicates that this missense variant is expected to disrupt CTNNA1 protein function with a positive predictive value of 80%. In summary, the available evidence is currently insufficient to determine the role of this variant in disease. Therefore, it has been classified as a Variant of Uncertain Significance.